The following is an entry in ClinVar:

NM_005677.4(COLQ):c.718-1G>T

Gene: COLQ (collagen like tail subunit of asymmetric acetylcholinesterase; minus strand). Cytogenetic location: 3p25.1.
Variant type: single nucleotide variant.
Coding change: c.718-1G>T on transcript NM_005677.4 (MANE Select); the canonical splice acceptor site of the intron before coding-DNA position 718, G replaced by T.
Molecular consequence: splice acceptor variant.
Genome position (GRCh38, 1-based): chr3:15,466,438, C>A on the plus strand (G>T on the coding strand, the complement: COLQ is on the minus strand). VCF-style: chr3-15466438-C-A. GRCh37 (hg19) VCF-style: chr3-15507945-C-A.
Other names: c.616-1G>T (NM_080539.4); c.688-1G>T (NM_080538.2).
Identifiers: ClinVar variation 3647521 (VCV003647521.2).

ClinVar aggregate classification (germline): Likely pathogenic (1 of 4 stars; one submission).

Conditions:
Congenital myasthenic syndrome 5. Identifiers: Orphanet 590, MedGen C1864233, MONDO:0011281, OMIM 603034.

Submission:

Labcorp Genetics (formerly Invitae), Labcorp
Classification: Likely pathogenic for Congenital myasthenic syndrome 5. Last evaluated: 2024-08-23. Review status: criteria provided, single submitter. Criteria: Invitae Variant Classification Sherloc (09022015). Collection method: clinical testing. Allele origin: germline.
Comment: This sequence change affects an acceptor splice site in intron 11 of the COLQ gene. It is expected to disrupt RNA splicing. Variants that disrupt the donor or acceptor splice site typically lead to a loss of protein function (PMID: 16199547), and loss-of-function variants in COLQ are known to be pathogenic (PMID: 22678886). This variant is not present in population databases (gnomAD no frequency). This variant has not been reported in the literature in individuals affected with COLQ-related conditions. Algorithms developed to predict the effect of sequence changes on RNA splicing suggest that this variant may disrupt the consensus splice site. In summary, the currently available evidence indicates that the variant is pathogenic, but additional data are needed to prove that conclusively. Therefore, this variant has been classified as Likely Pathogenic.

Literature cited by the submitters: PubMed 16199547; PubMed 22678886.